The following is an entry in ClinVar:

ClinVar aggregate classification (germline): Pathogenic/Likely pathogenic. Review status: criteria provided, multiple submitters, no conflicts (2 of 4 stars). 8 submissions from 8 submitters: Pathogenic (6); Likely pathogenic (1). 1 of the submissions does not count toward it. Last evaluated 2025-06-26.

Conditions:
Hereditary factor VIII deficiency disease (HEMA). Also called: HEMOPHILIA, CLASSIC; AUTOSOMAL HEMOPHILIA A; Hemophilia A; Hemophilia A, congenital; HEM A; Factor 8 deficiency, congenital. Identifiers: Orphanet 98878, MedGen C0019069, MONDO:0010602, OMIM 306700.
Thrombophilia, X-linked, due to factor 8 defect. Also called: Thrombophilia 13, X-linked, due to factor VIII defect; THROMBOPHILIA, X-LINKED, DUE TO FACTOR VIII DEFECT. Identifiers: MedGen C5676879, MONDO:0859082, OMIM 301071.
F8-related disorders.

Submissions (8):

Women's Health and Genetics/Laboratory Corporation of America, LabCorp
Classification: Pathogenic for Hereditary factor VIII deficiency disease. Last evaluated: 2025-06-26. Review status: criteria provided, single submitter. Criteria: LabCorp Variant Classification Summary - May 2015. Collection method: clinical testing. Allele origin: germline.
Comment: Variant summary: F8 c.4379dupA (p.Asn1460LysfsX2) results in a premature termination codon, predicted to cause a truncation of the encoded protein or absence of the protein due to nonsense mediated decay, which are commonly known mechanisms for disease. The frequency data for this variant in gnomAD is considered unreliable, as metrics indicate poor data quality at this position. c.4379dupA has been observed in individual(s) affected with Factor VIII Deficiency (Hemophilia A) (Lu_2018). These data indicate that the variant is likely to be associated with disease. The following publication has been ascertained in the context of this evaluation (PMID: 29381227). ClinVar contains an entry for this variant (Variation ID: 1333164). Based on the evidence outlined above, the variant was classified as pathogenic.

ARUP Laboratories, Molecular Genetics and Genomics, ARUP Laboratories
Classification: Pathogenic. Last evaluated: 2024-07-31. Review status: criteria provided, single submitter. Criteria: ARUP Molecular Germline Variant Investigation Process 2024. Collection method: clinical testing. Allele origin: germline.
Comment: The F8 c.4379dupA; p.Asn1460LysfsTer2 variant (rs387906455), also known as p.Asn1442LysfsTer2, is reported in numerous individuals with hemophilia A (see Factor VIII database, Lu 2018). In vitro functional analyses demonstrate that individuals with this variant have factor VIII activity of <1-8%. It is reported in one allele in the Genome Aggregation Database, but is considered a low confidence variant in that database. This variant causes a frameshift by inserting a single nucleotide, so it is predicted to result in a truncated protein or mRNA subject to nonsense mediated decay. Based on available information, this variant is considered to be pathogenic. References: Link to Factor VIII database: Lu Y et al. Spectrum and origin of mutations in sporadic cases of haemophilia A in China. Haemophilia. 2018 Mar;24(2):291-298. PMID: 29381227.

GeneDx
Classification: Pathogenic. Last evaluated: 2023-11-15. Review status: criteria provided, single submitter. Criteria: GeneDx Variant Classification Process June 2021. Collection method: clinical testing. Allele origin: germline. Affected: yes.
Comment: Frameshift variant predicted to result in protein truncation or nonsense mediated decay in a gene for which loss-of-function is a known mechanism of disease; Not observed at significant frequency in large population cohorts (gnomAD); Also denoted as c.4372insA due to alternative nomenclature; This variant is associated with the following publications: (PMID: 1908096, 7794769, 11102988, 8054459, 10519986, 19473408, 19686262, 18388498, 35014236, 20838461, 12325022, 12871415, 9603440, 10896236, 11298607, 11843836, 11857744, 12195713, 16601827, 18403393, 19719548, 20028422, 20800587, 29381227, 18691168, 33245802, 32497951, 32897612)

Blueprint Genetics
Classification: Pathogenic for F8-related disorders. Last evaluated: 2022-09-06. Review status: criteria provided, single submitter. Criteria: ACMG Guidelines, 2015. Collection method: clinical testing. Allele origin: germline. Affected: yes. Observed: 3 variant alleles.

Fulgent Genetics
Classification: Pathogenic for Thrombophilia, X-linked, due to factor 8 defect; Hereditary factor VIII deficiency disease. Last evaluated: 2021-11-06. Review status: criteria provided, single submitter. Criteria: ACMG Guidelines, 2015. Collection method: clinical testing. Allele origin: unknown.

Juno Genomics, Hangzhou Juno Genomics, Inc
Classification: Pathogenic for Hereditary factor VIII deficiency disease; Thrombophilia, X-linked, due to factor 8 defect. Review status: criteria provided, single submitter. Criteria: ACMG Guidelines, 2015. Collection method: clinical testing. Allele origin: germline. Affected: yes.
Comment: Absent from controls (or at extremely low frequency if recessive) in Genome Aggregation Database, Exome Sequencing Project, 1000 Genomes Project, or Exome Aggregation Consortium.;Null variant in a gene where loss of function (LOF) is a known mechanism of disease.;The prevalence of the variant in affected individuals is significantly increased compared to the prevalence in controls.;Patient's phenotype or family history is highly specific for a disease with a single genetic etiology.

Neuberg Centre For Genomic Medicine, NCGM
Classification: Likely pathogenic for Hereditary factor VIII deficiency disease. Review status: criteria provided, single submitter. Criteria: ACMG Guidelines, 2015. Collection method: clinical testing. Allele origin: germline. Inheritance: X-linked recessive inheritance. Affected: yes.
Comment: The frameshift duplication p.N1460Kfs*2 in F8 (NM_000132.4) has been reported in multiple affected indviduals (AbdulGhafar A et al,Hwang SH et al). It has been submitted to ClinVar as PathogenicAlthough the variant is present at 0.0006% in gnomAD Exomes, it has the flag "Failed Random Forest" and may not represent the true population frequency. The p.N1460Kfs*2 variant is novel (not in any individuals) in 1000 Genomes. This variant is predicted to cause loss of normal protein function through protein truncation.Loss of function variants have been reported previously as disease causing. For these reasons, this variant has been classified as Likely Pathogenic

OMIM
Classification: Pathogenic for HEMOPHILIA A. Last evaluated: 1991-08-15. Review status: no assertion criteria provided. Collection method: literature only. Allele origin: germline. Not counted in ClinVar's aggregate classification.

Literature cited by the submitters: PubMed 29381227 (cited by Women's Health and Genetics/Laboratory Corporation of America, LabCorp); PubMed 1908096 (cited by OMIM).

NM_000132.4(F8):c.4379dup (p.Asn1460fs)

Gene: F8 (coagulation factor VIII; minus strand). Cytogenetic location: Xq28.
Variant type: Duplication.
Coding change: c.4379dup on transcript NM_000132.4 (MANE Select); coding-DNA position 4379, one base duplicated (A; older notation c.4379dupA).
Protein change: p.Asn1460fs; shifts the reading frame from asparagine 1460.
Molecular consequence: frameshift variant.
Genome position (GRCh38, 1-based): chrX:154,929,411, T duplicated on the plus strand (A on the coding strand, the reverse complement: F8 is on the minus strand); the first of 8 consecutive T bases (chrX:154,929,411-154,929,418); duplicating any one gives the same sequence. VCF-style (leftmost placement, unchanged base first): chrX-154929410-A-AT. GRCh37 (hg19) VCF-style: chrX-154157685-A-AT.
Other names: F8, 1-BP INS, A; c.4379dupA (NM_000132.4, NM_000132.3); short protein forms N1460fs.
Identifiers: ClinVar variation 1333164 (VCV001333164.19), dbSNP rs387906455, ClinGen allele CA645292749.